The following is an entry in ClinVar:

NM_004260.4(RECQL4):c.3393+14G>A

Gene: RECQL4 (RecQ like helicase 4; minus strand). Cytogenetic location: 8q24.3.
Variant type: single nucleotide variant.
Coding change: c.3393+14G>A on transcript NM_004260.4 (MANE Select); 14 bases into the intron after coding-DNA position 3393, G replaced by A.
Molecular consequence: intron variant.
Genome position (GRCh38, 1-based): chr8:144,511,897, C>T on the plus strand (G>A on the coding strand, the complement: RECQL4 is on the minus strand). VCF-style: chr8-144511897-C-T. GRCh37 (hg19) VCF-style: chr8-145737280-C-T.
Other names: c.3264+14G>A (NM_001413025.1); c.3042+14G>A (NM_001413029.1); c.2256+14G>A (NM_001413032.1, NM_001413027.1, NM_001413030.1); c.2322+14G>A (NM_001413035.1, NM_001413040.1, NM_001413021.1 and 4 more transcripts); c.3099+14G>A (NM_001413017.1); c.3297+14G>A (NM_001413020.1); c.3363+14G>A (NM_001413039.1); c.3261+14G>A (NM_001413033.1); and 9 more.
Identifiers: ClinVar variation 2843144 (VCV002843144.3), dbSNP rs2537969747, ClinGen allele CA2689128983.

ClinVar aggregate classification (germline): Uncertain significance (1 of 4 stars; one submission).

Conditions:
Baller-Gerold syndrome (BGS). Also called: CRANIOSYNOSTOSIS WITH RADIAL DEFECTS. Identifiers: Orphanet 1225, MedGen C0265308, MONDO:0009039, OMIM 218600.

Allele frequency attached by ClinVar (database versions not stated): gnomAD exomes below 0.00001.

Submission:

Labcorp Genetics (formerly Invitae), Labcorp
Classification: Uncertain significance for Baller-Gerold syndrome. Last evaluated: 2023-08-17. Review status: criteria provided, single submitter. Criteria: Invitae Variant Classification Sherloc (09022015). Collection method: clinical testing. Allele origin: germline.
Comment: This sequence change falls in intron 19 of the RECQL4 gene. It does not directly change the encoded amino acid sequence of the RECQL4 protein. This variant is not present in population databases (gnomAD no frequency). This variant has not been reported in the literature in individuals affected with RECQL4-related conditions. Algorithms developed to predict the effect of sequence changes on RNA splicing suggest that this variant may disrupt the consensus splice site. In summary, the available evidence is currently insufficient to determine the role of this variant in disease. Therefore, it has been classified as a Variant of Uncertain Significance.